The following is an entry in ClinVar:

ClinVar aggregate classification (germline): Likely benign (1 of 4 stars; one submission).

Submission:

GeneDx
Classification: Likely benign. Last evaluated: 2016-01-21. Review status: criteria provided, single submitter. Criteria: GeneDx Variant Classification (06012015). Collection method: clinical testing. Allele origin: germline. Affected: yes.
Comment: This variant is considered likely benign or benign based on one or more of the following criteria: it is a conservative change, it occurs at a poorly conserved position in the protein, it is predicted to be benign by multiple in silico algorithms, and/or has population frequency not consistent with disease.

NM_203447.4(DOCK8):c.333-12C>G

Gene: DOCK8 (dedicator of cytokinesis 8; plus strand). Cytogenetic location: 9p24.3.
Variant type: single nucleotide variant.
Coding change: c.333-12C>G on transcript NM_203447.4 (MANE Select); 12 bases into the intron before coding-DNA position 333, C replaced by G.
Molecular consequence: intron variant.
Genome position (GRCh38, 1-based): chr9:289,498, C>G. VCF-style: chr9-289498-C-G. GRCh37 (hg19) VCF-style: chr9-289498-C-G.
Other names: c.129-12C>G (NM_001193536.2, NM_001190458.2).
Identifiers: ClinVar variation 382962 (VCV000382962.1), dbSNP rs1057521494, ClinGen allele CA16605834.
Genomic context (GRCh38, chr9:289,498, plus strand): 5'-TGCTCATGATTAGGGGTTGTTTTGTTGTTTTACCCAGTAATAACGTGTTTATTTCATTTT[C>G]TACCTCATTAGGGTTGAACTGGACCCTCATGTCAGGGACTGTGTTCAGACCTACATCCGT-3'